The following is an entry in ClinVar:

NM_000535.7(PMS2):c.2381C>T (p.Pro794Leu)

Gene: PMS2 (PMS1 homolog 2, mismatch repair system component; minus strand). Cytogenetic location: 7p22.1.
Variant type: single nucleotide variant.
Coding change: c.2381C>T on transcript NM_000535.7 (MANE Select); coding-DNA position 2381, C replaced by T.
Protein change: p.Pro794Leu; replaces proline 794 with leucine.
Molecular consequence: missense variant. On other transcripts: non-coding transcript variant (1).
Genome position (GRCh38, 1-based): chr7:5,977,652, G>A on the plus strand (C>T on the coding strand, the complement: PMS2 is on the minus strand). VCF-style: chr7-5977652-G-A. GRCh37 (hg19) VCF-style: chr7-6017283-G-A.
Other names: c.1976C>T, p.Pro659Leu (NM_001018040.1, NM_001322003.2, NM_001322004.2 and 12 more transcripts); c.2225C>T, p.Pro742Leu (NM_001322006.2); c.2063C>T, p.Pro688Leu (NM_001322007.2, NM_001322008.2, NM_001406883.1); c.2009C>T, p.Pro670Leu (NM_001322009.2, NM_001406887.1, NM_001406888.1); c.1820C>T, p.Pro607Leu (NM_001322010.2, NM_001406906.1, NM_001406907.1); c.1448C>T, p.Pro483Leu (NM_001322011.2, NM_001322012.2); c.1808C>T, p.Pro603Leu (NM_001322013.2, NM_001406908.1, NM_001406909.1); c.2414C>T, p.Pro805Leu (NM_001322014.2); and 20 more; short protein forms P603L, P607L, P682L, P805L, P856L, P537L, P555L, P632L.
Identifiers: ClinVar variation 1790450 (VCV001790450.2), dbSNP rs876659030, ClinGen allele CA366735752.

ClinVar aggregate classification (germline): Uncertain significance (1 of 4 stars; one submission).

Conditions:
Hereditary cancer-predisposing syndrome. Also called: Hereditary Cancer Syndrome; Hereditary neoplastic syndrome; Tumor predisposition; Neoplastic Syndromes, Hereditary. Identifiers: Orphanet 140162, MedGen C0027672, MeSH D009386, MONDO:0015356.

Submission:

Ambry Genetics
Classification: Uncertain significance for Hereditary cancer-predisposing syndrome. Last evaluated: 2020-06-22. Review status: criteria provided, single submitter. Criteria: Ambry Variant Classification Scheme 2023. Collection method: clinical testing. Allele origin: germline.
Comment: The p.P794L variant (also known as c.2381C>T), located in coding exon 14 of the PMS2 gene, results from a C to T substitution at nucleotide position 2381. The proline at codon 794 is replaced by leucine, an amino acid with similar properties. This amino acid position is highly conserved in available vertebrate species. In addition, this alteration is predicted to be deleterious by in silico analysis. Since supporting evidence is limited at this time, the clinical significance of this alteration remains unclear.